The following is an entry in ClinVar:

NM_016169.4(SUFU):c.542_543dup (p.Asp182fs)

Gene: SUFU (SUFU negative regulator of hedgehog signaling; plus strand). Cytogenetic location: 10q24.32.
Variant type: Microsatellite.
Coding change: c.542_543dup on transcript NM_016169.4 (MANE Select); coding-DNA positions 542 to 543, 2 bases duplicated (AG; older notation c.542_543dupAG).
Protein change: p.Asp182fs; shifts the reading frame from aspartic acid 182.
Molecular consequence: frameshift variant.
Genome position (GRCh38, 1-based): chr10:102,592,669-102,592,670, AG duplicated; duplicating any 2 consecutive bases within chr10:102,592,667-102,592,670 gives the same sequence; the c. name uses the placement nearest the transcript's 3' end. VCF-style (leftmost placement, unchanged base first): chr10-102592666-C-CAG. GRCh37 (hg19) VCF-style: chr10-104352423-C-CAG.
Other names: c.542_543dupAG (NM_016169.3); c.542_543dup, p.Asp182fs (NM_001178133.2); short protein forms D182fs.
Identifiers: ClinVar variation 817951 (VCV000817951.3), dbSNP rs1590061914, ClinGen allele CA915947554.

ClinVar aggregate classification (germline): Pathogenic (1 of 4 stars; one submission).

Submission:

GeneDx
Classification: Pathogenic. Last evaluated: 2025-01-13. Review status: criteria provided, single submitter. Criteria: GeneDx Variant Classification Process June 2021. Collection method: clinical testing. Allele origin: germline. Affected: yes.
Comment: Frameshift variant predicted to result in protein truncation or nonsense mediated decay in a gene for which loss of function is a known mechanism of disease; Not observed at significant frequency in large population cohorts (gnomAD); Has not been previously published as pathogenic or benign to our knowledge